The following is an entry in ClinVar:

ClinVar aggregate classification (germline): Uncertain significance (1 of 4 stars; one submission).

Submission:

Greenwood Genetic Center Diagnostic Laboratories, Greenwood Genetic Center
Classification: Uncertain significance. Last evaluated: 2024-05-16. Review status: criteria provided, single submitter. Criteria: ACMG Guidelines, 2015. Collection method: clinical testing. Allele origin: germline. Affected: yes.
Comment: BP4

NM_018082.6(POLR3B):c.2713+10949C>G

Gene: POLR3B (RNA polymerase III subunit B; plus strand). Cytogenetic location: 12q23.3.
Variant type: single nucleotide variant.
Coding change: c.2713+10949C>G on transcript NM_018082.6 (MANE Select); 10949 bases into the intron after coding-DNA position 2713, C replaced by G.
Molecular consequence: intron variant.
Genome position (GRCh38, 1-based): chr12:106,474,569, C>G. VCF-style: chr12-106474569-C-G. GRCh37 (hg19) VCF-style: chr12-106868347-C-G.
Other names: c.2539+10949C>G (NM_001160708.2).
Identifiers: ClinVar variation 3338505 (VCV003338505.1).